The following is an entry in ClinVar:

NM_017514.5(PLXNA3):c.1954T>C (p.Tyr652His)

Gene: PLXNA3 (plexin A3; plus strand). Cytogenetic location: Xq28.
Variant type: single nucleotide variant.
Coding change: c.1954T>C on transcript NM_017514.5 (MANE Select); coding-DNA position 1954, T replaced by C.
Protein change: p.Tyr652His; replaces tyrosine 652 with histidine.
Molecular consequence: missense variant.
Genome position (GRCh38, 1-based): chrX:154,464,779, T>C. VCF-style: chrX-154464779-T-C. GRCh37 (hg19) VCF-style: chrX-153693122-T-C.
Other names: short protein forms Y652H.
Identifiers: ClinVar variation 3356317 (VCV003356317.1).

ClinVar aggregate classification (germline): Uncertain significance (0 of 4 stars; one submission).

Conditions:
PLXNA3-related disorder. Also called: PLXNA3-related condition.

Submission:

PreventionGenetics, part of Exact Sciences
Classification: Uncertain significance for PLXNA3-related condition. Last evaluated: 2024-05-14. Review status: no assertion criteria provided. Collection method: clinical testing. Allele origin: germline.
Comment: The PLXNA3 c.1954T>C variant is predicted to result in the amino acid substitution p.Tyr652His. To our knowledge, this variant has not been reported in the literature. This variant is reported in 0.0039% of alleles in individuals of Latino descent in gnomAD. At this time, the clinical significance of this variant is uncertain due to the absence of conclusive functional and genetic evidence.